The following is an entry in ClinVar:

ClinVar aggregate classification (germline): Uncertain significance (1 of 4 stars; one submission).

Submission:

Labcorp Genetics (formerly Invitae), Labcorp
Classification: Uncertain significance. Last evaluated: 2025-09-28. Review status: criteria provided, single submitter. Criteria: Invitae Variant Classification Sherloc (09022015). Collection method: clinical testing. Allele origin: germline.
Comment: This sequence change replaces glycine, which is neutral and non-polar, with arginine, which is basic and polar, at codon 1421 of the COL7A1 protein (p.Gly1421Arg). This variant is present in population databases (rs769163033, gnomAD 0.006%). This variant has not been reported in the literature in individuals affected with COL7A1-related conditions. Invitae Evidence Modeling of protein sequence and biophysical properties (such as structural, functional, and spatial information, amino acid conservation, physicochemical variation, residue mobility, and thermodynamic stability) has been performed for this missense variant. However, the output from this modeling did not meet the statistical confidence thresholds required to predict the impact of this variant on COL7A1 protein function. In summary, the available evidence is currently insufficient to determine the role of this variant in disease. Therefore, it has been classified as a Variant of Uncertain Significance.

NM_000094.4(COL7A1):c.4261G>A (p.Gly1421Arg)

Gene: COL7A1 (collagen type VII alpha 1 chain; minus strand). Cytogenetic location: 3p21.31.
Variant type: single nucleotide variant.
Coding change: c.4261G>A on transcript NM_000094.4 (MANE Select); coding-DNA position 4261, G replaced by A.
Protein change: p.Gly1421Arg; replaces glycine 1421 with arginine.
Molecular consequence: missense variant.
Genome position (GRCh38, 1-based): chr3:48,583,917, C>T on the plus strand (G>A on the coding strand, the complement: COL7A1 is on the minus strand). VCF-style: chr3-48583917-C-T. GRCh37 (hg19) VCF-style: chr3-48621350-C-T.
Other names: short protein forms G1421R.
Identifiers: ClinVar variation 4700620 (VCV004700620.1).
Genomic context (GRCh38, chr3:48,583,917, plus strand): 5'-CACCCCTGAGCAGGGCCCCCAGCAGAGCCTCAAGGCCCCTCACCGGCAGCCCAGGCTCCC[C>T]AGGAGCAATGCCACCTTCACCTGGTCCAGGGGGACCCTGGGAGAGAACAGCAGGTCAGGG-3'
Protein context (NP_000085.1, residues 1411-1431): PGPGEGGIAP[Gly1421Arg]EPGLPGLPGS